The following is an entry in ClinVar:

NM_001077365.2(POMT1):c.1871_1872del (p.Gly624fs)

Gene: POMT1 (protein O-mannosyltransferase 1; plus strand). Cytogenetic location: 9q34.13.
Variant type: Deletion.
Coding change: c.1871_1872del on transcript NM_001077365.2 (MANE Select); coding-DNA positions 1871 to 1872, 2 bases deleted (GC; older notation c.1871_1872delGC).
Protein change: p.Gly624fs; shifts the reading frame from glycine 624.
Molecular consequence: frameshift variant. On other transcripts: non-coding transcript variant (10).
Genome position (GRCh38, 1-based): chr9:131,522,092-131,522,093, GC deleted. VCF-style (leftmost placement, unchanged base first): chr9-131522091-GGC-G. GRCh37 (hg19) VCF-style: chr9-134397478-GGC-G.
Other names: c.1709_1710del, p.Gly570fs (NM_001077366.2, NM_001353194.2); c.1871_1872del, p.Gly624fs (NM_001136113.2); c.1520_1521del, p.Gly507fs (NM_001136114.2, NM_001353195.2, NM_001374691.1 and 2 more transcripts); c.1937_1938del, p.Gly646fs (NM_001353193.2, NM_007171.4); c.1781_1782del, p.Gly594fs (NM_001353196.2); c.1775_1776del, p.Gly592fs (NM_001353197.2, NM_001353198.2); c.1586_1587del, p.Gly529fs (NM_001353199.2); c.1415_1416del, p.Gly472fs (NM_001353200.2); and 4 more; short protein forms G247fs, G507fs, G529fs, G551fs, G594fs, G620fs, G624fs, G646fs.
Identifiers: ClinVar variation 2950063 (VCV002950063.3), dbSNP rs2539474836, ClinGen allele CA2740092904.

ClinVar aggregate classification (germline): Pathogenic (1 of 4 stars; one submission).

Conditions:
Walker-Warburg congenital muscular dystrophy. Also called: Muscular dystrophy-dystroglycanopathy, type A; Walker-Warburg syndrome. Identifiers: Orphanet 899, MedGen C0265221, MONDO:0000171.
Muscular dystrophy-dystroglycanopathy (congenital with impaired intellectual development), type B, 1. Also called: MUSCULAR DYSTROPHY, CONGENITAL, POMT1-RELATED; Muscular dystrophy-dystroglycanopathy (congenital with intellectual disability), type B1. Identifiers: MedGen C5436962, MONDO:0013159, OMIM 613155.
Autosomal recessive limb-girdle muscular dystrophy type 2K. Also called: MUSCULAR DYSTROPHY-DYSTROGLYCANOPATHY (LIMB-GIRDLE), TYPE C, 1; MUSCULAR DYSTROPHY, LIMB-GIRDLE, TYPE 2K. Identifiers: Orphanet 86812, MedGen C1836373, MONDO:0012248, OMIM 609308.

Submission:

Labcorp Genetics (formerly Invitae), Labcorp
Classification: Pathogenic for Muscular dystrophy-dystroglycanopathy (congenital with impaired intellectual development), type B, 1; Walker-Warburg congenital muscular dystrophy; Autosomal recessive limb-girdle muscular dystrophy type 2K. Last evaluated: 2024-08-31. Review status: criteria provided, single submitter. Criteria: Invitae Variant Classification Sherloc (09022015). Collection method: clinical testing. Allele origin: germline.
Comment: This sequence change creates a premature translational stop signal (p.Gly646Valfs*84) in the POMT1 gene. While this is not anticipated to result in nonsense mediated decay, it is expected to disrupt the last 102 amino acid(s) of the POMT1 protein. This variant is not present in population databases (gnomAD no frequency). This variant has not been reported in the literature in individuals affected with POMT1-related conditions. This variant disrupts a region of the POMT1 protein in which other variant(s) (p.Trp736*) have been determined to be pathogenic (PMID: 22499106, 27193224). This suggests that this is a clinically significant region of the protein, and that variants that disrupt it are likely to be disease-causing. For these reasons, this variant has been classified as Pathogenic.

Literature cited by the submitters: PubMed 22499106; PubMed 27193224.